The following is an entry in ClinVar:

NM_182978.4(GNAL):c.249C>G (p.Ala83=)

Gene: GNAL (G protein subunit alpha L; plus strand). Cytogenetic location: 18p11.21.
Variant type: single nucleotide variant.
Coding change: c.249C>G on transcript NM_182978.4 (MANE Select); coding-DNA position 249, C replaced by G.
Protein change: p.Ala83=; no amino-acid change (alanine 83 retained).
Molecular consequence: synonymous variant. On other transcripts: genic upstream transcript variant (1).
Genome position (GRCh38, 1-based): chr18:11,689,812, C>G. VCF-style: chr18-11689812-C-G. GRCh37 (hg19) VCF-style: chr18-11689811-C-G.
Other names: c.-61997C>G (NM_001142339.3).
Identifiers: ClinVar variation 2682247 (VCV002682247.1), dbSNP rs890228437, ClinGen allele CA502896170.
Genomic context (GRCh38, chr18:11,689,812, plus strand): 5'-CGCTCGGCCCAAAGCAGACAAGCCGAAGGAGAAGCGGCAGCGCACCGAGCAGCTGAGTGC[C>G]GAGGAGCGCGAGGCGGCCAAGGAGCGCGAGGCGGTCAAGGAGGCGAGGAAAGTGAGCCGG-3'
Protein context (NP_892023.1, residues 73-93): EKRQRTEQLS[Ala83=]EEREAAKERE

ClinVar aggregate classification (germline): Uncertain significance (1 of 4 stars; one submission).

gnomAD v4.1: 3 of 1,537,066 alleles (0.0002%); highest among the groups gnomAD compares: South Asian, 0.0012%; no homozygotes.

Submission:

Women's Health and Genetics/Laboratory Corporation of America, LabCorp
Classification: Uncertain significance. Last evaluated: 2023-11-22. Review status: criteria provided, single submitter. Criteria: LabCorp Variant Classification Summary - May 2015. Collection method: clinical testing. Allele origin: germline.
Comment: Variant summary: GNAL c.-61997C>G is located in the untranscribed region upstream of the GNAL gene region. The frequency data for this variant in gnomAD is considered unreliable, as metrics indicate poor data quality at this position. To our knowledge, no occurrence of c.-61997C>G in individuals affected with Dystonia 25 and no experimental evidence demonstrating its impact on protein function have been reported. No submitters have cited clinical-significance assessments for this variant to ClinVar after 2014. Based on the evidence outlined above, the variant was classified as uncertain significance.